The following is an entry in ClinVar:

ClinVar aggregate classification (germline): Likely benign. Review status: criteria provided, single submitter (1 of 4 stars). 2 submissions from 2 submitters: Likely benign (1). 1 of the submissions does not count toward it. Last evaluated 2022-10-01.

Conditions:
PRKAG3-related disorder. Also called: PRKAG3-related condition.

Allele frequency attached by ClinVar (database versions not stated): ExAC 0.00018; TOPMed 0.00019; gnomAD 0.00022; gnomAD exomes 0.00029.
gnomAD v4.1: 465 of 1,613,182 alleles (0.029%); highest among the groups gnomAD compares: Non-Finnish European, 0.035%; no homozygotes.

Submissions (2):

CeGaT Center for Human Genetics Tuebingen
Classification: Likely benign. Last evaluated: 2022-10-01. Review status: criteria provided, single submitter. Criteria: CeGaT Center For Human Genetics Tuebingen Variant Classification Criteria Version 2. Collection method: clinical testing. Allele origin: germline. Affected: yes. Observed: 1 variant allele.
Comment: PRKAG3: BP4, BP7

PreventionGenetics, part of Exact Sciences
Classification: Likely benign for PRKAG3-related condition. Last evaluated: 2023-06-30. Review status: no assertion criteria provided. Collection method: clinical testing. Allele origin: germline. Not counted in ClinVar's aggregate classification.
Comment: This variant is classified as likely benign based on ACMG/AMP sequence variant interpretation guidelines (Richards et al. 2015 PMID: 25741868, with internal and published modifications).

NM_017431.4(PRKAG3):c.1017C>T (p.Pro339=)

Gene: PRKAG3 (protein kinase AMP-activated non-catalytic subunit gamma 3; minus strand). Cytogenetic location: 2q35.
Variant type: single nucleotide variant.
Coding change: c.1017C>T on transcript NM_017431.4 (MANE Select); coding-DNA position 1017, C replaced by T.
Protein change: p.Pro339=; no amino-acid change (proline 339 retained).
Molecular consequence: synonymous variant.
Genome position (GRCh38, 1-based): chr2:218,827,079, G>A on the plus strand (C>T on the coding strand, the complement: PRKAG3 is on the minus strand). VCF-style: chr2-218827079-G-A. GRCh37 (hg19) VCF-style: chr2-219691802-G-A.
Other names: c.1017C>T (NM_017431.2).
Identifiers: ClinVar variation 2651899 (VCV002651899.25), dbSNP rs747168458, ClinGen allele CA2113143.
Genomic context (GRCh38, chr2:218,827,079, plus strand): 5'-CAAGTCTCGGAATGTGCCGATGCCCAAATCTTGGATAGTGCGGTAGAGGAAGGAGGGCCG[G>A]GGCAGCAGGGAACCCTGGTTAGGATGGGGACCAGGTGGAGATCAGGGATCCAGCAGCTTC-3'
Protein context (NP_059127.2, residues 329-349): KFLHIFGSLL[Pro339=]RPSFLYRTIQ